The following is an entry in ClinVar:

ClinVar aggregate classification (germline): Likely pathogenic (0 of 4 stars; one submission).

Conditions:
Alzheimer disease 3 (AD3). Also called: ALZHEIMER DISEASE, FAMILIAL, 3. Identifiers: Orphanet 1020, MedGen C1843013, MONDO:0011913, OMIM 607822.

Submission:

Medical Genetics Unit, Mauro Baschirotto Institute for Rare Disease
Classification: Likely pathogenic for Alzheimer disease 3. Last evaluated: 2026-04-20. Review status: no assertion criteria provided. Collection method: clinical testing. Allele origin: germline. Affected: yes. Observed: 1 variant allele.
Comment: This variant was interpreted by the AD-FTD Italian Consortium, including the following participating institutions: Mauro Baschirotto Institute for Rare Disease, Medical Genetics Unit (Dr Paola de Gemmis, Dr Daniela Segat, Dr Chiara Stefani); Neurology Unit, Department of Biomedicine, Neurosciences and Advanced Diagnostics, University of Palermo, Italy (Dr Tommaso Piccoli); Neurology Unit, Santa Maria della Misericordia Hospital, Perugia, Italy (Dr Lorenzo Gaetani). The participating laboratories jointly contributed to patient recruitment, clinical data collection, and variant interpretation and classification.The variant c.1268T>C results in the amino acid substitution of leucine to serine at codon 423 of the PSEN1 protein. This is missense change between one apolar amminoacid and a neutral polar one. The frequency of this variant is not available in gnomAD population database. This variant is non-truncating and non-synonymous and is located in TM8 domain. These observations support a pathogenic role (15 pathogenic or likely pathogenic reported variants were found in a 156bp region surrounding this variant in exon 12 within the region 73219133-73219289 without any missense benign variants). Moreover, PSEN1 is a gene with a low rate of benign missense mutations and for which missense mutation is a common mechanism of disease. Computational prediction tools unanimously support a deleterious effect on the gene. SIFT prediction (deleterious, score 0), FATHMM prediction (deleterious moderate, score -6.24), Mutation Taster prediction (deleterious, score 1) and REVEL score 0.83. PSEN1 encodes presenilin 1, a multi-pass transmembrane protein that constitutes the catalytic core of the γ-secretase complex. γ-Secretase is an intramembrane-cleaving protease complex responsible for the regulated proteolysis of multiple type I transmembrane proteins, including amyloid precursor protein (APP) and Notch receptors. Through its role in γ-secretase, presenilin 1 is involved in the generation of amyloid-β peptides from APP and in the processing of several substrates critical for cell signaling, differentiation, and survival. PSEN1 function is essential for normal neuronal development and maintenance, and alterations in its activity are implicated in the pathogenesis of autosomal dominant forms of early-onset Alzheimer disease and other neurodegenerative phenotypes. Taken together all of these data suggest a likely pathogenic classification for this variant.

NM_000021.4(PSEN1):c.1268T>C (p.Leu423Ser)

Gene: PSEN1 (presenilin 1; plus strand). Cytogenetic location: 14q24.2.
Variant type: single nucleotide variant.
Coding change: c.1268T>C on transcript NM_000021.4 (MANE Select); coding-DNA position 1268, T replaced by C.
Protein change: p.Leu423Ser; replaces leucine 423 with serine.
Molecular consequence: missense variant.
Genome position (GRCh38, 1-based): chr14:73,219,153, T>C. VCF-style: chr14-73219153-T-C. GRCh37 (hg19) VCF-style: chr14-73685861-T-C.
Other names: c.1256T>C, p.Leu419Ser (NM_007318.3); short protein forms L419S, L423S.
Identifiers: ClinVar variation 4849955 (VCV004849955.1).